The following is an entry in ClinVar:

ClinVar aggregate classification (germline): Likely pathogenic (1 of 4 stars; one submission).

Submission:

GeneDx
Classification: Likely pathogenic. Last evaluated: 2019-01-02. Review status: criteria provided, single submitter. Criteria: GeneDx Variant Classification (06012015). Collection method: clinical testing. Allele origin: germline. Affected: yes.
Comment: Although the c.156delT likely pathogenic variant in the TGFB2 gene has not been reported to our knowledge, this variant causes a shift in reading frame starting at codon Proline 54, changing it to a Glutamine, and creating a premature stop codon at position 14 of the new reading frame, denoted p.Pro54GlnfsX14. This likely pathogenic variant is expected to result in either an abnormal, truncated protein product or loss of protein from this allele through nonsense-mediated mRNA decay. Other frameshift variants in the TGFB2 gene have been reported in Human Gene Mutation Database in association with TAAD (Stenson et al., 2014), indicating that loss of function is a mechanism of disease for this gene. Furthermore, the c.156delT variant is not observed in large population cohorts (Lek et al., 2016; 1000 Genomes Consortium et al., 2015; Exome Variant Server).

NM_003238.6(TGFB2):c.156del (p.Pro54fs)

Gene: TGFB2 (transforming growth factor beta 2; plus strand). Cytogenetic location: 1q41.
Variant type: Deletion.
Coding change: c.156del on transcript NM_003238.6 (MANE Select); coding-DNA position 156, one base deleted (T; older notation c.156delT).
Protein change: p.Pro54fs; shifts the reading frame from proline 54.
Molecular consequence: frameshift variant. On other transcripts: non-coding transcript variant (2).
Genome position (GRCh38, 1-based): chr1:218,346,857, T deleted. VCF-style (leftmost placement, unchanged base first): chr1-218346856-GT-G. GRCh37 (hg19) VCF-style: chr1-218520198-GT-G.
Other names: c.156del, p.Pro54fs (NM_001135599.4); short protein forms P54fs.
Identifiers: ClinVar variation 430027 (VCV000430027.2), dbSNP rs1131691744, ClinGen allele CA645369171.
Genomic context (GRCh38, chr1:218,346,856, plus strand): 5'-TCATGCGCAAGAGGATCGAGGCGATCCGCGGGCAGATCCTGAGCAAGCTGAAGCTCACCA[GT>G]CCCCCAGAAGACTATCCTGAGCCCGAGGAAGTCCCCCCGGAGGTGATTTCCATCTACAAC-3'